The following is an entry in ClinVar:

ClinVar aggregate classification (germline): Uncertain significance. Review status: criteria provided, multiple submitters, no conflicts (2 of 4 stars). 2 submissions from 2 submitters: Uncertain significance (2). Last evaluated 2024-09-29.

Conditions:
Hereditary cancer-predisposing syndrome. Also called: Hereditary Cancer Syndrome; Tumor predisposition; Neoplastic Syndromes, Hereditary; Hereditary neoplastic syndrome. Identifiers: Orphanet 140162, MedGen C0027672, MeSH D009386, MONDO:0015356.
Ataxia-telangiectasia syndrome (AT). Also called: ATAXIA-TELANGIECTASIA, COMPLEMENTATION GROUP A; ATAXIA-TELANGIECTASIA, FRESNO VARIANT; Ataxia-telangiectasia; Ataxia-telangiectasia, complementation group E; Cerebello-oculocutaneous telangiectasia; Immunodeficiency with ataxia telangiectasia. Identifiers: Orphanet 100, MedGen C0004135, MONDO:0008840, OMIM 208900.

Submissions (2):

Labcorp Genetics (formerly Invitae), Labcorp
Classification: Uncertain significance for Ataxia-telangiectasia syndrome. Last evaluated: 2024-09-29. Review status: criteria provided, single submitter. Criteria: Invitae Variant Classification Sherloc (09022015). Collection method: clinical testing. Allele origin: germline.
Comment: This sequence change replaces threonine, which is neutral and polar, with isoleucine, which is neutral and non-polar, at codon 2654 of the ATM protein (p.Thr2654Ile). This variant is not present in population databases (gnomAD no frequency). This variant has not been reported in the literature in individuals affected with ATM-related conditions. ClinVar contains an entry for this variant (Variation ID: 187295). An algorithm developed to predict the effect of missense changes on protein structure and function outputs the following: PolyPhen-2: "Benign". The isoleucine amino acid residue is found in multiple mammalian species, which suggests that this missense change does not adversely affect protein function. In summary, the available evidence is currently insufficient to determine the role of this variant in disease. Therefore, it has been classified as a Variant of Uncertain Significance.

Ambry Genetics
Classification: Uncertain significance for Hereditary cancer-predisposing syndrome. Last evaluated: 2014-12-02. Review status: criteria provided, single submitter. Criteria: Ambry Variant Classification Scheme 2023. Collection method: clinical testing. Allele origin: germline.
Comment: The p.T2654I variant (also known as c.7961C>T), located in coding exon 53 of the ATM gene, results from a C to T substitution at nucleotide position 7961. The threonine at codon 2654 is replaced by isoleucine, an amino acid with similar properties. This variant was not reported in population based cohorts in the following databases: Database of Single Nucleotide Polymorphisms (dbSNP), NHLBI Exome Sequencing Project (ESP), and 1000 Genomes Project. In the ESP, this variant was not observed in 6498 samples (12996 alleles) with coverage at this position. To date, this alteration has been detected with an allele frequency of approximately 0.004% (greater than 22000 alleles tested) in our clinical cohort. This amino acid position is not conserved; however, isoleucine is a reference amino acid in several species. In addition, this alteration is predicted to be tolerated by in silico analysis. Since supporting evidence is limited at this time, the clinical significance of p.T2654I remains unclear.

NM_000051.4(ATM):c.7961C>T (p.Thr2654Ile)

Genes: ATM (ATM serine/threonine kinase; plus strand), C11orf65 (chromosome 11 open reading frame 65; minus strand). Cytogenetic location: 11q22.3.
Variant type: single nucleotide variant.
Coding change: c.7961C>T on transcript NM_000051.4 (MANE Select); coding-DNA position 7961, C replaced by T.
Protein change: p.Thr2654Ile; replaces threonine 2654 with isoleucine.
Molecular consequence: missense variant. On other transcripts: intron variant (2).
Genome position (GRCh38, 1-based): chr11:108,333,919, C>T. VCF-style: chr11-108333919-C-T. GRCh37 (hg19) VCF-style: chr11-108204646-C-T.
Other names: c.7961C>T, p.Thr2654Ile (NM_001351834.2); c.641-24848G>A (NM_001330368.2); c.*38+1301G>A (NM_001351110.2); short protein forms T2654I.
Identifiers: ClinVar variation 187295 (VCV000187295.14), dbSNP rs786203621, ClinGen allele CA197274.